The following is an entry in ClinVar:

NM_014874.4(MFN2):c.1067C>G (p.Thr356Ser)

Gene: MFN2 (mitofusin 2; plus strand). Cytogenetic location: 1p36.22.
Variant type: single nucleotide variant.
Coding change: c.1067C>G on transcript NM_014874.4 (MANE Select); coding-DNA position 1067, C replaced by G.
Protein change: p.Thr356Ser; replaces threonine 356 with serine.
Molecular consequence: missense variant.
Genome position (GRCh38, 1-based): chr1:12,002,010, C>G. VCF-style: chr1-12002010-C-G. GRCh37 (hg19) VCF-style: chr1-12062067-C-G.
Other names: c.1067C>G, p.Thr356Ser (NM_001127660.2); short protein forms T356S.
Identifiers: ClinVar variation 2733830 (VCV002733830.3), dbSNP rs1569853976, ClinGen allele CA338442750.

ClinVar aggregate classification (germline): Pathogenic (1 of 4 stars; one submission).

Conditions:
Charcot-Marie-Tooth disease type 2. Also called: Charcot-Marie-Tooth type 2. Identifiers: Orphanet 64746, MedGen C0270914, MONDO:0018993.

Submission:

Labcorp Genetics (formerly Invitae), Labcorp
Classification: Pathogenic for Charcot-Marie-Tooth disease type 2. Last evaluated: 2024-04-25. Review status: criteria provided, single submitter. Criteria: Invitae Variant Classification Sherloc (09022015). Collection method: clinical testing. Allele origin: germline.
Comment: This sequence change replaces threonine, which is neutral and polar, with serine, which is neutral and polar, at codon 356 of the MFN2 protein (p.Thr356Ser). This variant is not present in population databases (gnomAD no frequency). This missense change has been observed in individuals with clinical features of autosomal dominant Charcot-Marie-Tooth disease (PMID: 26801520, 35922214; Invitae). Advanced modeling of protein sequence and biophysical properties (such as structural, functional, and spatial information, amino acid conservation, physicochemical variation, residue mobility, and thermodynamic stability) performed at Invitae indicates that this missense variant is expected to disrupt MFN2 protein function with a positive predictive value of 95%. This variant disrupts the p.Thr356 amino acid residue in MFN2. Other variant(s) that disrupt this residue have been observed in individuals with MFN2-related conditions (PMID: 22653593, 26801520), which suggests that this may be a clinically significant amino acid residue. For these reasons, this variant has been classified as Pathogenic.

Literature cited by the submitters: PubMed 26801520; PubMed 35922214; PubMed 22653593.